The following is an entry in ClinVar:

ClinVar aggregate classification (germline): Uncertain significance (1 of 4 stars; one submission).

Conditions:
Charcot-Marie-Tooth Neuropathy X. Identifiers: MedGen CN118851.
Combined oxidative phosphorylation deficiency. Identifiers: MedGen C4540031, MONDO:0000732.

Allele frequency attached by ClinVar (database versions not stated): gnomAD exomes 0.00002.
gnomAD v4.1: 20 of 1,212,025 alleles (0.0017%); highest among the groups gnomAD compares: Non-Finnish European, 0.0022%; no homozygotes.

Submission:

Labcorp Genetics (formerly Invitae), Labcorp
Classification: Uncertain significance for Charcot-Marie-Tooth Neuropathy X; Combined oxidative phosphorylation deficiency. Last evaluated: 2022-08-06. Review status: criteria provided, single submitter. Criteria: Invitae Variant Classification Sherloc (09022015). Collection method: clinical testing. Allele origin: germline.
Comment: This sequence change replaces asparagine, which is neutral and polar, with serine, which is neutral and polar, at codon 403 of the AIFM1 protein (p.Asn403Ser). In summary, the available evidence is currently insufficient to determine the role of this variant in disease. Therefore, it has been classified as a Variant of Uncertain Significance. Advanced modeling of protein sequence and biophysical properties (such as structural, functional, and spatial information, amino acid conservation, physicochemical variation, residue mobility, and thermodynamic stability) performed at Invitae indicates that this missense variant is not expected to disrupt AIFM1 protein function. ClinVar contains an entry for this variant (Variation ID: 959123). This variant has not been reported in the literature in individuals affected with AIFM1-related conditions. This variant is not present in population databases (gnomAD no frequency).

NM_004208.4(AIFM1):c.1208A>G (p.Asn403Ser)

Genes: AIFM1 (apoptosis inducing factor mitochondria associated 1; minus strand), RAB33A (RAB33A, member RAS oncogene family; plus strand). Cytogenetic location: Xq26.1.
Variant type: single nucleotide variant.
Coding change: c.1208A>G on transcript NM_004208.4 (MANE Select); coding-DNA position 1208, A replaced by G.
Protein change: p.Asn403Ser; replaces asparagine 403 with serine.
Molecular consequence: missense variant. On other transcripts: 3 prime UTR variant (1), non-coding transcript variant (1).
Genome position (GRCh38, 1-based): chrX:130,136,142, T>C on the plus strand (A>G on the coding strand, the complement: AIFM1 is on the minus strand). VCF-style: chrX-130136142-T-C. GRCh37 (hg19) VCF-style: chrX-129270117-T-C.
Other names: c.191A>G, p.Asn64Ser (NM_001130846.4); c.*436A>G (NM_001130847.4); c.1196A>G, p.Asn399Ser (NM_145812.3); short protein forms N399S, N403S, N64S.
Identifiers: ClinVar variation 959123 (VCV000959123.9), dbSNP rs2030326799, ClinGen allele CA414575285.
Genomic context (GRCh38, chrX:130,136,142, plus strand): 5'-ACCCGGAAGCCACCAAAATCTGAGTCTATTTCCAGGCCACCAGTCTTGGCCAACTCAACA[T>C]TGGGCTCCAGGCCCACAGCTGCCACTATGTGGTCAGTTTCTACCTGAGGCAAAAAAGAAA-3'
Protein context (NP_004199.1, residues 393-413): HIVAAVGLEP[Asn403Ser]VELAKTGGLE